The following is an entry in ClinVar:

NM_001161352.2(KCNMA1):c.632A>G (p.Lys211Arg)

Gene: KCNMA1 (potassium calcium-activated channel subfamily M alpha 1; minus strand). Cytogenetic location: 10q22.3.
Variant type: single nucleotide variant.
Coding change: c.632A>G on transcript NM_001161352.2 (MANE Select); coding-DNA position 632, A replaced by G.
Protein change: p.Lys211Arg; replaces lysine 211 with arginine.
Molecular consequence: missense variant.
Genome position (GRCh38, 1-based): chr10:77,184,887, T>C on the plus strand (A>G on the coding strand, the complement: KCNMA1 is on the minus strand). VCF-style: chr10-77184887-T-C. GRCh37 (hg19) VCF-style: chr10-78944645-T-C.
Other names: c.632A>G, p.Lys211Arg (NM_001014797.3, NM_001161353.2, NM_001271519.2 and 7 more transcripts); c.470A>G, p.Lys157Arg (NM_001271518.2); c.92A>G, p.Lys31Arg (NM_001322838.2); short protein forms K157R, K211R, K31R.
Identifiers: ClinVar variation 856524 (VCV000856524.11), dbSNP rs771113362, ClinGen allele CA5568638.
Genomic context (GRCh38, chr10:77,184,887, plus strand): 5'-AAGCCGAAGTAGAGAAGGAAGAACACGTTGAAAGCCATGTCGATCTGTAATGTGAAATCT[T>C]TGTAGAAATTCTGGCAGGATTCTATTGGGCTATTAGACAGGAAGAAGAAAAAGCAAGAGG-3'
Protein context (NP_001154824.1, residues 201-221): NPIESCQNFY[Lys211Arg]DFTLQIDMAF

ClinVar aggregate classification (germline): Uncertain significance. Review status: criteria provided, multiple submitters, no conflicts (2 of 4 stars). 2 submissions from 2 submitters: Uncertain significance (2). Last evaluated 2025-12-21.

Conditions:
Generalized epilepsy-paroxysmal dyskinesia syndrome (PNKD3). Also called: Generalized epilepsy and paroxysmal dyskinesia; Paroxysmal nonkinesigenic dyskinesia, 3, with or without generalized epilepsy. Identifiers: Orphanet 79137, MedGen C5574945, MONDO:0012276, OMIM 609446.
Inborn genetic diseases. Identifiers: MedGen C0950123, MeSH D030342.

Allele frequency attached by ClinVar (database versions not stated): gnomAD exomes 0.00001; ExAC 0.00002.
gnomAD v4.1: 13 of 1,612,356 alleles (0.00081%); highest among the groups gnomAD compares: East Asian, 0.0022%; no homozygotes.

Submissions (2):

Labcorp Genetics (formerly Invitae), Labcorp
Classification: Uncertain significance for Generalized epilepsy-paroxysmal dyskinesia syndrome. Last evaluated: 2025-12-21. Review status: criteria provided, single submitter. Criteria: Invitae Variant Classification Sherloc (09022015). Collection method: clinical testing. Allele origin: germline.
Comment: This sequence change replaces lysine, which is basic and polar, with arginine, which is basic and polar, at codon 211 of the KCNMA1 protein (p.Lys211Arg). This variant is present in population databases (rs771113362, gnomAD 0.007%). This variant has not been reported in the literature in individuals affected with KCNMA1-related conditions. ClinVar contains an entry for this variant (Variation ID: 856524). Invitae Evidence Modeling of protein sequence and biophysical properties (such as structural, functional, and spatial information, amino acid conservation, physicochemical variation, residue mobility, and thermodynamic stability) indicates that this missense variant is not expected to disrupt KCNMA1 protein function with a negative predictive value of 80%. In summary, the available evidence is currently insufficient to determine the role of this variant in disease. Therefore, it has been classified as a Variant of Uncertain Significance.

Ambry Genetics
Classification: Uncertain significance for Inborn genetic diseases. Last evaluated: 2024-08-12. Review status: criteria provided, single submitter. Criteria: Ambry Variant Classification Scheme 2023. Collection method: clinical testing. Allele origin: germline.